The following is an entry in ClinVar:

NM_020433.5(JPH2):c.1459C>T (p.Pro487Ser)

Gene: JPH2 (junctophilin 2; minus strand). Cytogenetic location: 20q13.12.
Variant type: single nucleotide variant.
Coding change: c.1459C>T on transcript NM_020433.5 (MANE Select); coding-DNA position 1459, C replaced by T.
Protein change: p.Pro487Ser; replaces proline 487 with serine.
Molecular consequence: missense variant.
Genome position (GRCh38, 1-based): chr20:44,116,216, G>A on the plus strand (C>T on the coding strand, the complement: JPH2 is on the minus strand). VCF-style: chr20-44116216-G-A. GRCh37 (hg19) VCF-style: chr20-42744856-G-A.
Other names: short protein forms P487S.
Identifiers: ClinVar variation 2048637 (VCV002048637.4), dbSNP rs919085890, ClinGen allele CA409100585.
Genomic context (GRCh38, chr20:44,116,216, plus strand): 5'-GCAGGCCGTCCTTGGACACCCCGGGCCTGGGCCGCTTGGGCTGCGGGGGCGTCCCGGCCG[G>A]TGACGGGGAGCCACCCTCGGGCCGAGGGGTCTCACGCTCGTGCAGCTGCGGGCTCTCGCG-3'
Protein context (NP_065166.2, residues 477-497): TPRPEGGSPS[Pro487Ser]AGTPPQPKRP

ClinVar aggregate classification (germline): Uncertain significance (1 of 4 stars; one submission).

Conditions:
Hypertrophic cardiomyopathy. Also called: HYPERTROPHIC MYOCARDIOPATHY. Identifiers: Orphanet 217569, MedGen C0007194, MeSH D002312, MONDO:0005045, HP:0001639.

gnomAD v4.1: 3 of 1,396,658 alleles (0.00021%); highest among the groups gnomAD compares: Non-Finnish European, 0.00018%; no homozygotes.

Submission:

Labcorp Genetics (formerly Invitae), Labcorp
Classification: Uncertain significance for Hypertrophic cardiomyopathy. Last evaluated: 2023-12-28. Review status: criteria provided, single submitter. Criteria: Invitae Variant Classification Sherloc (09022015). Collection method: clinical testing. Allele origin: germline.
Comment: This sequence change replaces proline, which is neutral and non-polar, with serine, which is neutral and polar, at codon 487 of the JPH2 protein (p.Pro487Ser). This variant is not present in population databases (gnomAD no frequency). This variant has not been reported in the literature in individuals affected with JPH2-related conditions. ClinVar contains an entry for this variant (Variation ID: 2048637). An algorithm developed to predict the effect of missense changes on protein structure and function (PolyPhen-2) suggests that this variant is likely to be tolerated. In summary, the available evidence is currently insufficient to determine the role of this variant in disease. Therefore, it has been classified as a Variant of Uncertain Significance.